The following is an entry in ClinVar:

NM_020738.4(KIDINS220):c.207+10A>G

Gene: KIDINS220 (kinase D interacting substrate 220; minus strand). Cytogenetic location: 2p25.1.
Variant type: single nucleotide variant.
Coding change: c.207+10A>G on transcript NM_020738.4 (MANE Select); 10 bases into the intron after coding-DNA position 207, A replaced by G.
Molecular consequence: intron variant.
Genome position (GRCh38, 1-based): chr2:8,818,685, T>C on the plus strand (A>G on the coding strand, the complement: KIDINS220 is on the minus strand). VCF-style: chr2-8818685-T-C. GRCh37 (hg19) VCF-style: chr2-8958815-T-C.
Other names: c.207+10A>G (NM_001348741.2, NM_001348738.2, NM_001348739.2 and 10 more transcripts); c.81+10A>G (NM_001348736.2).
Identifiers: ClinVar variation 1635476 (VCV001635476.9), dbSNP rs758740926, ClinGen allele CA1520506.

ClinVar aggregate classification (germline): Likely benign. Review status: criteria provided, single submitter (1 of 4 stars). 2 submissions from 2 submitters: Likely benign (1). 1 of the submissions does not count toward it. Last evaluated 2024-10-29.

Conditions:
KIDINS220-related disorder. Also called: KIDINS220-related condition.

Allele frequency attached by ClinVar (database versions not stated): TOPMed below 0.00001; gnomAD 0.00001; gnomAD exomes 0.00001; ExAC 0.00002.
gnomAD v4.1: 12 of 1,450,898 alleles (0.00083%); highest among the groups gnomAD compares: African/African-American, 0.0014%; no homozygotes.

Submissions (2):

Labcorp Genetics (formerly Invitae), Labcorp
Classification: Likely benign. Last evaluated: 2024-10-29. Review status: criteria provided, single submitter. Criteria: Invitae Variant Classification Sherloc (09022015). Collection method: clinical testing. Allele origin: germline.

PreventionGenetics, part of Exact Sciences
Classification: Likely benign for KIDINS220-related condition. Last evaluated: 2024-08-30. Review status: no assertion criteria provided. Collection method: clinical testing. Allele origin: germline. Not counted in ClinVar's aggregate classification.
Comment: This variant is classified as likely benign based on ACMG/AMP sequence variant interpretation guidelines (Richards et al. 2015 PMID: 25741868, with internal and published modifications).